The following is an entry in ClinVar:

NM_000372.5(TYR):c.892C>T (p.Arg298Trp)

Gene: TYR (tyrosinase; plus strand). Cytogenetic location: 11q14.3.
Variant type: single nucleotide variant.
Coding change: c.892C>T on transcript NM_000372.5 (MANE Select); coding-DNA position 892, C replaced by T.
Protein change: p.Arg298Trp; replaces arginine 298 with tryptophan.
Molecular consequence: missense variant.
Genome position (GRCh38, 1-based): chr11:89,191,274, C>T. VCF-style: chr11-89191274-C-T. GRCh37 (hg19) VCF-style: chr11-88924442-C-T.
Other names: short protein forms R298W.
Identifiers: ClinVar variation 1438484 (VCV001438484.6), dbSNP rs200854796, ClinGen allele CA6221253.

ClinVar aggregate classification (germline): Uncertain significance. Review status: criteria provided, multiple submitters, no conflicts (2 of 4 stars). 3 submissions from 3 submitters: Uncertain significance (3). Last evaluated 2024-10-26.

Conditions:
Oculocutaneous albinism type 1A (OCA1A). Also called: Albinism, oculocutaneous, type IA. Identifiers: Orphanet 352731, Orphanet 79431, MedGen C4551504, MONDO:0008745, OMIM 203100. Disease mechanism: loss of function.
Oculocutaneous albinism type 1B (OCA1B). Also called: YELLOW ALBINISM; ALBINISM, OCULOCUTANEOUS, TYPE IB; ALBINISM, YELLOW MUTANT TYPE. Identifiers: Orphanet 352731, Orphanet 352737, Orphanet 79434, MedGen C1847024, MONDO:0011749, OMIM 606952.
SKIN/HAIR/EYE PIGMENTATION 3, LIGHT/DARK SKIN (SHEP3). Also called: SKIN/HAIR/EYE PIGMENTATION 3, BLUE/GREEN EYE COLOR; SKIN/HAIR/EYE PIGMENTATION 3, FRECKLING; EYE COLOR 1; EYE COLOR, GREEN/BLUE; SKIN/HAIR/EYE PIGMENTATION, VARIATION IN, 3. Identifiers: MedGen C2677190, OMIM 601800.

Allele frequency attached by ClinVar (database versions not stated): ExAC 0.00002; gnomAD exomes 0.00004; gnomAD 0.00006 and 0.00007.
gnomAD v4.1: 72 of 1,613,488 alleles (0.0045%); highest among the groups gnomAD compares: South Asian, 0.0055%; no homozygotes.

Submissions (3):

Labcorp Genetics (formerly Invitae), Labcorp
Classification: Uncertain significance. Last evaluated: 2024-10-26. Review status: criteria provided, single submitter. Criteria: Invitae Variant Classification Sherloc (09022015). Collection method: clinical testing. Allele origin: germline.
Comment: This sequence change replaces arginine, which is basic and polar, with tryptophan, which is neutral and slightly polar, at codon 298 of the TYR protein (p.Arg298Trp). This variant is present in population databases (rs200854796, gnomAD 0.006%). This missense change has been observed in individual(s) with oculocutaneous albinism (PMID: 23504663). ClinVar contains an entry for this variant (Variation ID: 1438484). Invitae Evidence Modeling of protein sequence and biophysical properties (such as structural, functional, and spatial information, amino acid conservation, physicochemical variation, residue mobility, and thermodynamic stability) has been performed for this missense variant. However, the output from this modeling did not meet the statistical confidence thresholds required to predict the impact of this variant on TYR protein function. In summary, the available evidence is currently insufficient to determine the role of this variant in disease. Therefore, it has been classified as a Variant of Uncertain Significance.

Blueprint Genetics
Classification: Uncertain significance. Last evaluated: 2023-08-01. Review status: criteria provided, single submitter. Criteria: ACMG Guidelines, 2015. Collection method: clinical testing. Allele origin: germline.

Fulgent Genetics
Classification: Uncertain significance for Oculocutaneous albinism type 1A; SKIN/HAIR/EYE PIGMENTATION 3, LIGHT/DARK SKIN; Oculocutaneous albinism type 1B. Last evaluated: 2022-05-12. Review status: criteria provided, single submitter. Criteria: ACMG Guidelines, 2015. Collection method: clinical testing. Allele origin: unknown.

Literature cited by the submitters: PubMed 23504663 (cited by Labcorp Genetics (formerly Invitae), Labcorp).